The following is an entry in ClinVar:

ClinVar aggregate classification (germline): Pathogenic. Review status: criteria provided, multiple submitters, no conflicts (2 of 4 stars). 3 submissions from 3 submitters: Pathogenic (2). 1 of the submissions does not count toward it. Last evaluated 2025-05-27.

Conditions:
Hereditary cancer-predisposing syndrome. Also called: Hereditary Cancer Syndrome; Hereditary neoplastic syndrome; Neoplastic Syndromes, Hereditary; Tumor predisposition. Identifiers: Orphanet 140162, MedGen C0027672, MeSH D009386, MONDO:0015356.
Ataxia-telangiectasia syndrome (AT). Also called: Ataxia-telangiectasia, complementation group D; AT, COMPLEMENTATION GROUP C; Ataxia-telangiectasia, complementation group E; LOUIS-BAR SYNDROME; Cerebello-oculocutaneous telangiectasia; Immunodeficiency with ataxia telangiectasia. Identifiers: Orphanet 100, MedGen C0004135, MONDO:0008840, OMIM 208900.

Submissions (3):

Molecular Diagnostics Laboratory, Catalan Institute of Oncology
Classification: Pathogenic for Hereditary cancer-predisposing syndrome. Last evaluated: 2025-05-27. Review status: criteria provided, single submitter. Criteria: ClinGen ACMG Specifications ATM V1.1.0. Collection method: clinical testing. Allele origin: germline.
Comment: PVS1, PM2_Supporting, PM5_Supporting c.1754dup, located in exon 11 of the ATM gene, consists in the duplication of one nucleotide, causing a translational frameshift with a predicted alternate stop codon, p.(Leu585PhefsTer4). This alteration is expected to result in loss of function by premature protein truncation and nonsense-mediated mRNA decay (PVS1, PM5_Supporting). It is not present in the population database gnomAD v2.1.1, non cancer dataset (PM2_supporting). The SpliceAI algorithm predicts no significant impact on splicing. To our knowledge, neither relevant clinical data nor well-stablished functional studies have been reported for this variant. In addition, this variant has been reported in the ClinVar database (1x pathogenic, 1x likely pathogenic) but it has not been reported in the LOVD database. Based on currently available information, the variant c.1754dup should be considered a pathogenic variant.

Labcorp Genetics (formerly Invitae), Labcorp
Classification: Pathogenic for Ataxia-telangiectasia syndrome. Last evaluated: 2018-11-13. Review status: criteria provided, single submitter. Criteria: Invitae Variant Classification Sherloc (09022015). Collection method: clinical testing. Allele origin: germline.
Comment: For these reasons, this variant has been classified as Pathogenic. Loss-of-function variants in ATM are known to be pathogenic (PMID: 23807571, 25614872). This variant has not been reported in the literature in individuals with ATM-related disease. ClinVar contains an entry for this variant (Variation ID: 553187). This variant is not present in population databases (ExAC no frequency). This sequence change creates a premature translational stop signal (p.Leu585Phefs*4) in the ATM gene. It is expected to result in an absent or disrupted protein product.

Counsyl
Classification: Likely pathogenic for Ataxia-telangiectasia syndrome. Last evaluated: 2017-08-04. Review status: no assertion criteria provided. Collection method: clinical testing. Allele origin: unknown. Not counted in ClinVar's aggregate classification.

Literature cited by the submitters: PubMed 23807571 (cited by Labcorp Genetics (formerly Invitae), Labcorp); PubMed 25614872 (cited by Labcorp Genetics (formerly Invitae), Labcorp).

NM_000051.4(ATM):c.1754dup (p.Leu585fs)

Gene: ATM (ATM serine/threonine kinase; plus strand). Cytogenetic location: 11q22.3.
Variant type: Duplication.
Coding change: c.1754dup on transcript NM_000051.4 (MANE Select); coding-DNA position 1754, one base duplicated (T; older notation c.1754dupT).
Protein change: p.Leu585fs; shifts the reading frame from leucine 585.
Molecular consequence: frameshift variant.
Genome position (GRCh38, 1-based): chr11:108,251,983, T duplicated; the last of 2 consecutive T bases (chr11:108,251,982-108,251,983); duplicating either gives the same sequence. VCF-style (leftmost placement, unchanged base first): chr11-108251981-G-GT. GRCh37 (hg19) VCF-style: chr11-108122708-G-GT.
Other names: c.1754dup, p.Leu585fs (NM_001351834.2); c.1754dupT (NM_000051.3); short protein forms L585fs.
Identifiers: ClinVar variation 553187 (VCV000553187.9), dbSNP rs1555072012, ClinGen allele CA658821430.